The following is an entry in ClinVar:

ClinVar aggregate classification (germline): Uncertain significance (1 of 4 stars; one submission).

Conditions:
Fanconi-Bickel syndrome (FBS). Also called: Glycogen storage disease due to GLUT2 deficiency; PSEUDO-PHLORIZIN DIABETES; FANCONI SYNDROME WITH INTESTINAL MALABSORPTION AND GALACTOSE INTOLERANCE; HEPATIC GLYCOGENOSIS WITH AMINO ACIDURIA AND GLUCOSURIA; HEPATIC GLYCOGENOSIS WITH FANCONI NEPHROPATHY; HEPATORENAL GLYCOGENOSIS WITH RENAL FANCONI SYNDROME. Identifiers: Orphanet 2088, MedGen C3495427, MONDO:0009216, OMIM 227810.

Allele frequency attached by ClinVar (database versions not stated): gnomAD exomes below 0.00001; TOPMed below 0.00001.
gnomAD v4.1: 3 of 1,612,616 alleles (0.00019%); highest among the groups gnomAD compares: Non-Finnish European, 0.00025%; no homozygotes.

Submission:

Labcorp Genetics (formerly Invitae), Labcorp
Classification: Uncertain significance for Fanconi-Bickel syndrome. Last evaluated: 2022-05-04. Review status: criteria provided, single submitter. Criteria: Invitae Variant Classification Sherloc (09022015). Collection method: clinical testing. Allele origin: germline.
Comment: In summary, the available evidence is currently insufficient to determine the role of this variant in disease. Therefore, it has been classified as a Variant of Uncertain Significance. Advanced modeling of protein sequence and biophysical properties (such as structural, functional, and spatial information, amino acid conservation, physicochemical variation, residue mobility, and thermodynamic stability) performed at Invitae indicates that this missense variant is expected to disrupt SLC2A2 protein function. This variant has not been reported in the literature in individuals affected with SLC2A2-related conditions. This variant is present in population databases (no rsID available, gnomAD 0.0009%). This sequence change replaces tyrosine, which is neutral and polar, with histidine, which is basic and polar, at codon 245 of the SLC2A2 protein (p.Tyr245His).

NM_000340.2(SLC2A2):c.733T>C (p.Tyr245His)

Gene: SLC2A2 (solute carrier family 2 member 2; minus strand). Cytogenetic location: 3q26.2.
Variant type: single nucleotide variant.
Coding change: c.733T>C on transcript NM_000340.2 (MANE Select); coding-DNA position 733, T replaced by C.
Protein change: p.Tyr245His; replaces tyrosine 245 with histidine.
Molecular consequence: missense variant.
Genome position (GRCh38, 1-based): chr3:171,005,985, A>G on the plus strand (T>C on the coding strand, the complement: SLC2A2 is on the minus strand). VCF-style: chr3-171005985-A-G. GRCh37 (hg19) VCF-style: chr3-170723774-A-G.
Other names: c.376T>C, p.Tyr126His (NM_001278658.2); c.214T>C, p.Tyr72His (NM_001278659.2); short protein forms Y126H, Y245H, Y72H.
Identifiers: ClinVar variation 1982934 (VCV001982934.3), dbSNP rs1480881050, ClinGen allele CA355489291.